The following is an entry in ClinVar:

ClinVar aggregate classification (germline): Pathogenic. Review status: reviewed by expert panel (3 of 4 stars). 13 submissions from 13 submitters: Pathogenic (1). 12 of the submissions do not count toward it. Last evaluated 2016-09-08.

Conditions:
Hereditary cancer-predisposing syndrome. Also called: Hereditary Cancer Syndrome; Tumor predisposition; Neoplastic Syndromes, Hereditary; Hereditary neoplastic syndrome. Identifiers: Orphanet 140162, MedGen C0027672, MeSH D009386, MONDO:0015356.
Hereditary breast ovarian cancer syndrome. Also called: Breast and ovarian cancer; BRCA1- and BRCA2-Associated Hereditary Breast and Ovarian Cancer; Hereditary breast and ovarian cancer; Hereditary breast and ovarian cancer syndrome (HBOC); Hereditary breast and ovarian cancer syndrome; Hereditary breast and/or ovarian cancer syndrome. Identifiers: Orphanet 145, MedGen C0677776, MeSH D061325, MONDO:0003582. Disease mechanism: loss of function.
Breast-ovarian cancer, familial, susceptibility to, 2 (BROVCA2). Also called: BRCA2 Hereditary Breast and Ovarian Cancer. Identifiers: Orphanet 145, MedGen C2675520, MONDO:0012933, OMIM 612555. Disease mechanism: loss of function.

Submissions (13):

Evidence-based Network for the Interpretation of Germline Mutant Alleles (ENIGMA)
Classification: Pathogenic for Breast-ovarian cancer, familial, susceptibility to, 2. Last evaluated: 2016-09-08. Review status: reviewed by expert panel. Criteria: ENIGMA BRCA1/2 Classification Criteria (2015). Collection method: curation. Allele origin: germline.
Comment: Variant allele predicted to encode a truncated non-functional protein.

Labcorp Genetics (formerly Invitae), Labcorp
Classification: Pathogenic for Hereditary breast ovarian cancer syndrome. Last evaluated: 2025-12-31. Review status: criteria provided, single submitter. Criteria: Invitae Variant Classification Sherloc (09022015). Collection method: clinical testing. Allele origin: germline. Not counted in ClinVar's aggregate classification.
Comment: This sequence change creates a premature translational stop signal (p.Ser2103*) in the BRCA2 gene. It is expected to result in an absent or disrupted protein product. Loss-of-function variants in BRCA2 are known to be pathogenic (PMID: 20104584). This variant is not present in population databases (gnomAD no frequency). This premature translational stop signal has been observed in individual(s) with a personal or familial history of breast and/or ovarian cancer (PMID: 24156927). ClinVar contains an entry for this variant (Variation ID: 52052). For these reasons, this variant has been classified as Pathogenic.

Ambry Genetics
Classification: Pathogenic for Hereditary cancer-predisposing syndrome. Last evaluated: 2025-05-30. Review status: criteria provided, single submitter. Criteria: Ambry Variant Classification Scheme 2023. Collection method: clinical testing. Allele origin: germline. Not counted in ClinVar's aggregate classification.
Comment: The p.S2103* pathogenic mutation (also known as c.6308C>A), located in coding exon 10 of the BRCA2 gene, results from a C to A substitution at nucleotide position 6308. This changes the amino acid from a serine to a stop codon within coding exon 10. This alteration was reported in an Austrian breast and/or ovarian cancer family (Tea MK et al. Maturitas, 2014 Jan;77:68-72). This alteration was also identified in a large, worldwide study of BRCA1/2 mutation positive families (Rebbeck TR et al. Hum Mutat, 2018 05;39:593-620). This variant is considered to be rare based on population cohorts in the Genome Aggregation Database (gnomAD). In addition to the clinical data presented in the literature, this alteration is expected to result in loss of function by premature protein truncation or nonsense-mediated mRNA decay. As such, this alteration is interpreted as a disease-causing mutation.

ARUP Laboratories, Molecular Genetics and Genomics, ARUP Laboratories
Classification: Pathogenic. Last evaluated: 2024-12-07. Review status: criteria provided, single submitter. Criteria: ARUP Molecular Germline Variant Investigation Process 2024. Collection method: clinical testing. Allele origin: germline. Not counted in ClinVar's aggregate classification.
Comment: The BRCA2 c.6308C>A; p.Ser2103Ter variant (rs80358870, ClinVar Variation ID: 52052) is reported in the literature in a family with a history of breast and ovarian cancer (Tea 2014). This variant is also absent from the Genome Aggregation Database (v2.1.1), indicating it is not a common polymorphism. This variant induces an early termination codon and is predicted to result in a truncated protein or mRNA subject to nonsense-mediated decay. Based on available information, this variant is considered to be pathogenic. References: Tea MK et al. Central European BRCA2 mutation carriers: birth cohort status correlates with onset of breast cancer. Maturitas. 2014 Jan;77(1):68-72. PMID: 24156927.

Quest Diagnostics Nichols Institute San Juan Capistrano
Classification: Pathogenic. Last evaluated: 2024-06-10. Review status: criteria provided, single submitter. Criteria: Quest Diagnostics criteria. Collection method: clinical testing. Allele origin: unknown. Not counted in ClinVar's aggregate classification.
Comment: The BRCA2 c.6308C>A (p.Ser2103*) variant causes the premature termination of BRCA2 protein synthesis. This variant has been reported in the published literature in an individual with personal or family history of breast/ovarian cancer (PMID: 24156927 (2014)). This variant has not been reported in large, multi-ethnic general populations (Genome Aggregation Database). Based on the available information, this variant is classified as pathogenic.

KCCC/NGS Laboratory, Kuwait Cancer Control Center
Classification: Pathogenic for Breast-ovarian cancer, familial, susceptibility to, 2. Last evaluated: 2023-06-15. Review status: criteria provided, single submitter. Criteria: ACMG Guidelines, 2015. Collection method: clinical testing. Allele origin: germline. Inheritance: Autosomal dominant inheritance. Affected: yes. Observed: 1 heterozygote. Not counted in ClinVar's aggregate classification.
Comment: This sequence change results in stop codone at 2103. Nonsense variant predicted to result in protein truncation or nonsense mediated decay in a gene for which loss of function is a known mechanism of disease; Observed in individuals with a personal or family history consistent with pathogenic variants in this gene (Tea 2014); Not observed at significant frequency in large population cohorts (gnomAD); Truncating variants in this gene are considered pathogenic by a well-established clinical consortium and/or database; Also known as 6536C>A; This variant is associated with the following publications: (PMID: 29446198, 24156927). Therefore, this variant is classified as pathogenic.

Revvity Omics, Revvity
Classification: Likely pathogenic. Last evaluated: 2022-09-26. Review status: criteria provided, single submitter. Criteria: ACMG Guidelines, 2015. Collection method: clinical testing. Allele origin: germline. Not counted in ClinVar's aggregate classification.

GeneDx
Classification: Pathogenic. Last evaluated: 2022-05-06. Review status: criteria provided, single submitter. Criteria: GeneDx Variant Classification Process June 2021. Collection method: clinical testing. Allele origin: germline. Affected: yes. Not counted in ClinVar's aggregate classification.
Comment: Nonsense variant predicted to result in protein truncation or nonsense mediated decay in a gene for which loss of function is a known mechanism of disease; Observed in individuals with a personal or family history consistent with pathogenic variants in this gene (Tea 2014); Not observed at significant frequency in large population cohorts (gnomAD); Truncating variants in this gene are considered pathogenic by a well-established clinical consortium and/or database; Also known as 6536C>A; This variant is associated with the following publications: (PMID: 29446198, 24156927)

Color Diagnostics, LLC DBA Color Health
Classification: Pathogenic for Hereditary cancer-predisposing syndrome. Last evaluated: 2022-01-22. Review status: criteria provided, single submitter. Criteria: ACMG Guidelines, 2015. Collection method: clinical testing. Allele origin: germline. Not counted in ClinVar's aggregate classification.
Comment: This variant changes 1 nucleotide in exon 11 of the BRCA2 gene, creating a premature translation stop signal. This variant is expected to result in an absent or non-functional protein product. This variant has been reported in an individual with a personal or family history of breast cancer (PMID: 24156927). This variant has not been identified in the general population by the Genome Aggregation Database (gnomAD). Loss of BRCA2 function is a known mechanism of disease. Based on the available evidence, this variant is classified as Pathogenic.

CeGaT Center for Human Genetics Tuebingen
Classification: Pathogenic. Last evaluated: 2020-08-01. Review status: criteria provided, single submitter. Criteria: CeGaT Center For Human Genetics Tuebingen Variant Classification Criteria Version 2. Collection method: clinical testing. Allele origin: germline. Affected: yes. Observed: 1 variant allele. Not counted in ClinVar's aggregate classification.

Molecular Genetics Laboratory, University of Michigan
Classification: Pathogenic for Breast-ovarian cancer, familial, susceptibility to, 2. Last evaluated: 2016-04-21. Review status: criteria provided, single submitter. Criteria: ACMG Guidelines, 2015. Collection method: clinical testing. Allele origin: germline. Affected: yes. Not counted in ClinVar's aggregate classification.

Consortium of Investigators of Modifiers of BRCA1/2 (CIMBA), c/o University of Cambridge
Classification: Pathogenic for Breast-ovarian cancer, familial, susceptibility to, 2. Last evaluated: 2015-10-02. Review status: criteria provided, single submitter. Criteria: CIMBA Mutation Classification guidelines May 2016. Collection method: clinical testing. Allele origin: germline. Not counted in ClinVar's aggregate classification.

Breast Cancer Information Core (BIC) (BRCA2)
Classification: Pathogenic for Breast-ovarian cancer, familial 2. Last evaluated: 2004-02-20. Review status: no assertion criteria provided. Collection method: clinical testing. Allele origin: germline. Affected: yes. Observed: 1 variant allele. Not counted in ClinVar's aggregate classification.

Literature cited by the submitters: PubMed 20104584 (cited by Labcorp Genetics (formerly Invitae), Labcorp); PubMed 24156927 (cited by 4 submitters); PubMed 29446198 (cited by Ambry Genetics and Quest Diagnostics Nichols Institute San Juan Capistrano).

NM_000059.4(BRCA2):c.6308C>A (p.Ser2103Ter)

Gene: BRCA2 (BRCA2 DNA repair associated; plus strand). Cytogenetic location: 13q13.1.
Variant type: single nucleotide variant.
Coding change: c.6308C>A on transcript NM_000059.4 (MANE Select); coding-DNA position 6308, C replaced by A.
Protein change: p.Ser2103Ter; replaces serine 2103 with a stop codon.
Molecular consequence: nonsense.
Genome position (GRCh38, 1-based): chr13:32,340,663, C>A. VCF-style: chr13-32340663-C-A. GRCh37 (hg19) VCF-style: chr13-32914800-C-A.
Other names: short protein forms S2103*.
Identifiers: ClinVar variation 52052 (VCV000052052.68), dbSNP rs80358870, ClinGen allele CA023844.
Genomic context (GRCh38, chr13:32,340,663, plus strand): 5'-TTGATTTAATCAGAACTGAGCATAGTCTTCACTATTCACCTACGTCTAGACAAAATGTAT[C>A]AAAAATACTTCCTCGTGTTGATAAGAGAAACCCAGAGCACTGTGTAAACTCAGAAATGGA-3'